The following is an entry in ClinVar:

ClinVar aggregate classification (germline): Likely benign (1 of 4 stars; one submission).

Allele frequency attached by ClinVar (database versions not stated): 1000 Genomes Project 30x 0.00265; 1000 Genomes Project 0.00300; gnomAD 0.00448; TOPMed 0.00515; ExAC 0.00570; ESP Exome Variant Server 0.00636.

Submission:

CeGaT Center for Human Genetics Tuebingen
Classification: Likely benign. Last evaluated: 2024-08-01. Review status: criteria provided, single submitter. Criteria: CeGaT Center For Human Genetics Tuebingen Variant Classification Criteria Version 2. Collection method: clinical testing. Allele origin: germline. Affected: yes. Observed: 6 variant alleles.
Comment: UNC13C: BS2

NM_001080534.3(UNC13C):c.912C>G (p.Asp304Glu)

Gene: UNC13C (unc-13 homolog C; plus strand). Cytogenetic location: 15q21.3.
Variant type: single nucleotide variant.
Coding change: c.912C>G on transcript NM_001080534.3 (MANE Select); coding-DNA position 912, C replaced by G.
Protein change: p.Asp304Glu; replaces aspartic acid 304 with glutamic acid.
Molecular consequence: missense variant.
Genome position (GRCh38, 1-based): chr15:54,013,815, C>G. VCF-style: chr15-54013815-C-G. GRCh37 (hg19) VCF-style: chr15-54306012-C-G.
Other names: c.912C>G, p.Asp304Glu (NM_001329919.2); short protein forms D304E.
Identifiers: ClinVar variation 2645361 (VCV002645361.24), dbSNP rs149448818, ClinGen allele CA7571778.